The following is an entry in ClinVar:

NM_002292.4(LAMB2):c.3858G>T (p.Val1286=)

Gene: LAMB2 (laminin subunit beta 2; minus strand). Cytogenetic location: 3p21.31.
Variant type: single nucleotide variant.
Coding change: c.3858G>T on transcript NM_002292.4 (MANE Select); coding-DNA position 3858, G replaced by T.
Protein change: p.Val1286=; no amino-acid change (valine 1286 retained).
Molecular consequence: synonymous variant.
Genome position (GRCh38, 1-based): chr3:49,123,571, C>A on the plus strand (G>T on the coding strand, the complement: LAMB2 is on the minus strand). VCF-style: chr3-49123571-C-A. GRCh37 (hg19) VCF-style: chr3-49161004-C-A.
Other names: p.Val1286=.
Identifiers: ClinVar variation 472482 (VCV000472482.52), dbSNP rs34967349, ClinGen allele CA2393922.

ClinVar aggregate classification (germline): Benign/Likely benign. Review status: criteria provided, multiple submitters, no conflicts (2 of 4 stars). 13 submissions from 12 submitters: Benign (4); Likely benign (7). 2 of the submissions do not count toward it. Last evaluated 2026-01-26.

Conditions:
LAMB2-related infantile-onset nephrotic syndrome. Also called: Nephrotic Syndrome, type 5; NEPHROTIC SYNDROME, TYPE 5, WITHOUT OCULAR ABNORMALITIES; NEPHROTIC SYNDROME, TYPE 5, WITH OCULAR ABNORMALITIES. Identifiers: Orphanet 306507, MedGen C3280113, MONDO:0013621, OMIM 614199.
Pierson syndrome. Also called: MICROCORIA-CONGENITAL NEPHROTIC SYNDROME. Identifiers: Orphanet 2670, MedGen C1836876, MONDO:0012184, OMIM 609049.

Allele frequency attached by ClinVar (database versions not stated): 1000 Genomes Project 30x 0.00234; 1000 Genomes Project 0.00240; gnomAD exomes 0.00306 and 0.00491; gnomAD 0.00307 and 0.00312; ExAC 0.00308; TOPMed 0.00353; ESP Exome Variant Server 0.00438.
gnomAD v4.1: 7,588 of 1,614,190 alleles (0.47%); highest among the groups gnomAD compares: Non-Finnish European, 0.58%; 22 homozygotes.

Submissions (13):

Labcorp Genetics (formerly Invitae), Labcorp
Classification: Benign for LAMB2-related infantile-onset nephrotic syndrome; Pierson syndrome. Last evaluated: 2026-01-26. Review status: criteria provided, single submitter. Criteria: Invitae Variant Classification Sherloc (09022015). Collection method: clinical testing. Allele origin: germline.

CeGaT Center for Human Genetics Tuebingen
Classification: Likely benign. Last evaluated: 2025-10-01. Review status: criteria provided, single submitter. Criteria: CeGaT Center For Human Genetics Tuebingen Variant Classification Criteria Version 2. Collection method: clinical testing. Allele origin: germline. Affected: yes. Observed: 7 variant alleles.
Comment: LAMB2: BP4, BP7, BS2

Mayo Clinic Laboratories, Mayo Clinic
Classification: Benign. Last evaluated: 2025-07-21. Review status: criteria provided, single submitter. Criteria: ACMG Guidelines, 2015. Collection method: clinical testing. Allele origin: germline. Observed: 3 variant alleles.
Comment: BS1, BS2, BP4

Women's Health and Genetics/Laboratory Corporation of America, LabCorp
Classification: Benign. Last evaluated: 2024-12-17. Review status: criteria provided, single submitter. Criteria: LabCorp Variant Classification Summary - May 2015. Collection method: clinical testing. Allele origin: germline.

Blueprint Genetics
Classification: Likely benign. Last evaluated: 2024-11-25. Review status: criteria provided, single submitter. Criteria: ACMG Guidelines, 2015. Collection method: clinical testing. Allele origin: germline.

Fulgent Genetics
Classification: Likely benign for Pierson syndrome; LAMB2-related infantile-onset nephrotic syndrome. Last evaluated: 2021-07-19. Review status: criteria provided, single submitter. Criteria: ACMG Guidelines, 2015. Collection method: clinical testing. Allele origin: unknown.

Athena Diagnostics
Classification: Benign. Last evaluated: 2019-07-19. Review status: criteria provided, single submitter. Criteria: Athena Diagnostics Criteria. Collection method: clinical testing. Allele origin: germline.

Genetic Services Laboratory, University of Chicago
Classification: Likely benign. Last evaluated: 2017-11-03. Review status: criteria provided, single submitter. Criteria: ACMG Guidelines, 2015. Collection method: clinical testing. Allele origin: germline. Affected: no.

Illumina Laboratory Services, Illumina
Classification: Likely benign for LAMB2-related infantile-onset nephrotic syndrome. Last evaluated: 2017-04-27. Review status: criteria provided, single submitter. Criteria: ICSL Variant Classification Criteria 13 December 2019. Collection method: clinical testing. Allele origin: germline.
Comment: This variant was observed as part of a predisposition screen in an ostensibly healthy population. A literature search was performed for the gene, cDNA change, and amino acid change (where applicable). No publications were found based on this search. Allele frequency data from public databases allowed determination this variant is unlikely to cause disease. Therefore, this variant is classified as likely benign.

Illumina Laboratory Services, Illumina
Classification: Likely benign for Pierson syndrome. Last evaluated: 2017-04-27. Review status: criteria provided, single submitter. Criteria: ICSL Variant Classification Criteria 13 December 2019. Collection method: clinical testing. Allele origin: germline.
Comment: the same text as in the submission from Illumina Laboratory Services, Illumina above.

Breakthrough Genomics
Classification: Likely benign. Review status: criteria provided, single submitter. Criteria: ACMG Guidelines, 2015. Collection method: not provided. Allele origin: germline. Inheritance: Autosomal recessive inheritance. Affected: yes.

Clinical Genetics DNA and cytogenetics Diagnostics Lab, Erasmus MC, Erasmus Medical Center
Classification: Likely benign. Review status: no assertion criteria provided. Collection method: clinical testing. Allele origin: germline. Affected: yes. Study: VKGL Data-share Consensus. Not counted in ClinVar's aggregate classification.

Genome Diagnostics Laboratory, University Medical Center Utrecht
Classification: Likely benign. Review status: no assertion criteria provided. Collection method: clinical testing. Allele origin: germline. Affected: yes. Study: VKGL Data-share Consensus. Not counted in ClinVar's aggregate classification.

Literature cited by the submitters: PubMed 20556798 (cited by Athena Diagnostics).